The following is an entry in ClinVar:

NM_002017.5(FLI1):c.322G>A (p.Glu108Lys)

Gene: FLI1 (Fli-1 proto-oncogene, ETS transcription factor; plus strand). Cytogenetic location: 11q24.3.
Variant type: single nucleotide variant.
Coding change: c.322G>A on transcript NM_002017.5 (MANE Select); coding-DNA position 322, G replaced by A.
Protein change: p.Glu108Lys; replaces glutamic acid 108 with lysine.
Molecular consequence: missense variant. On other transcripts: intron variant (1).
Genome position (GRCh38, 1-based): chr11:128,768,209, G>A. VCF-style: chr11-128768209-G-A. GRCh37 (hg19) VCF-style: chr11-128638104-G-A.
Other names: c.223G>A, p.Glu75Lys (NM_001167681.3); c.124G>A, p.Glu42Lys (NM_001271010.2); c.10+9883G>A (NM_001271012.2); short protein forms E108K, E75K, E42K.
Identifiers: ClinVar variation 2843096 (VCV002843096.3), dbSNP rs1941418516, ClinGen allele CA383235599.

ClinVar aggregate classification (germline): Uncertain significance (1 of 4 stars; one submission).

gnomAD v4.1: 1 of 1,613,940 alleles (0.000062%); no homozygotes.

Submission:

Labcorp Genetics (formerly Invitae), Labcorp
Classification: Uncertain significance. Last evaluated: 2025-03-26. Review status: criteria provided, single submitter. Criteria: Invitae Variant Classification Sherloc (09022015). Collection method: clinical testing. Allele origin: germline.
Comment: This sequence change replaces glutamic acid, which is acidic and polar, with lysine, which is basic and polar, at codon 108 of the FLI1 protein (p.Glu108Lys). This variant is not present in population databases (gnomAD no frequency). This variant has not been reported in the literature in individuals affected with FLI1-related conditions. ClinVar contains an entry for this variant (Variation ID: 2843096). Invitae Evidence Modeling of protein sequence and biophysical properties (such as structural, functional, and spatial information, amino acid conservation, physicochemical variation, residue mobility, and thermodynamic stability) indicates that this missense variant is not expected to disrupt FLI1 protein function with a negative predictive value of 80%. In summary, the available evidence is currently insufficient to determine the role of this variant in disease. Therefore, it has been classified as a Variant of Uncertain Significance.